The following is an entry in ClinVar:

ClinVar aggregate classification (germline): Uncertain significance (1 of 4 stars; one submission).

Conditions:
Dystonic disorder. Also called: Dystonia. Identifiers: MedGen C0013421, MONDO:0003441, HP:0001332.

Submission:

Labcorp Genetics (formerly Invitae), Labcorp
Classification: Uncertain significance for Dystonic disorder. Last evaluated: 2025-04-09. Review status: criteria provided, single submitter. Criteria: Invitae Variant Classification Sherloc (09022015). Collection method: clinical testing. Allele origin: germline.
Comment: This variant, c.58_81del, results in the deletion of 8 amino acid(s) of the CIZ1 protein (p.Leu20_Gln27del), but otherwise preserves the integrity of the reading frame. The frequency data for this variant in the population databases is considered unreliable, as metrics indicate poor data quality at this position in the gnomAD database. This variant has been observed in individual(s) with dystonia and/or primary dystonia (PMID: 25778706, 35041927). ClinVar contains an entry for this variant (Variation ID: 581665). Experimental studies and prediction algorithms are not available or were not evaluated, and the functional significance of this variant is currently unknown. In summary, the available evidence is currently insufficient to determine the role of this variant in disease. Therefore, it has been classified as a Variant of Uncertain Significance.

Literature cited by the submitters: PubMed 25778706; PubMed 35041927.

NM_001131016.2(CIZ1):c.58_81del (p.Leu20_Gln27del)

Gene: CIZ1 (CDKN1A interacting zinc finger protein 1; minus strand). Cytogenetic location: 9q34.11.
Variant type: Deletion.
Coding change: c.58_81del on transcript NM_001131016.2 (MANE Select); coding-DNA positions 58 to 81, 24 bases deleted (TTACAGCAGCAGCAGCTCCAGCAG).
Protein change: p.Leu20_Gln27del.
Molecular consequence: inframe deletion. On other transcripts: 5 prime UTR variant (1).
Genome position (GRCh38, 1-based): chr9:128,190,777-128,190,800, CTGCTGGAGCTGCTGCTGCTGTAA deleted on the plus strand (TTACAGCAGCAGCAGCTCCAGCAG on the coding strand, the reverse complement: CIZ1 is on the minus strand); deleting any 24 consecutive bases within chr9:128,190,777-128,190,822 gives the same sequence; the c. name uses the placement nearest the transcript's 3' end. VCF-style (leftmost placement, unchanged base first): chr9-128190776-GCTGCTGGAGCTGCTGCTGCTGTAA-G. GRCh37 (hg19) VCF-style: chr9-130953055-GCTGCTGGAGCTGCTGCTGCTGTAA-G.
Other names: c.58_81del, p.Leu20_Gln27del (NM_001131015.2, NM_001131017.2, NM_001131018.2 and 1 more transcripts); c.148_171del, p.Leu50_Gln57del (NM_001257975.2); c.-130_-107del (NM_001257976.2).
Identifiers: ClinVar variation 581665 (VCV000581665.8), dbSNP rs768712577, ClinGen allele CA5257688.